The following is an entry in ClinVar:

ClinVar aggregate classification (germline): Uncertain significance (1 of 4 stars; one submission).

gnomAD v4.1: 4 of 1,614,062 alleles (0.00025%); highest among the groups gnomAD compares: Non-Finnish European, 0.00025%; no homozygotes.

Submission:

GeneDx
Classification: Uncertain significance. Last evaluated: 2025-05-12. Review status: criteria provided, single submitter. Criteria: GeneDx Variant Classification Process June 2021. Collection method: clinical testing. Allele origin: germline. Affected: yes.
Comment: Not observed at significant frequency in large population cohorts (gnomAD); In silico analysis suggests that this missense variant does not alter protein structure/function; Has not been previously published as pathogenic or benign to our knowledge

NM_031844.3(HNRNPU):c.2245A>T (p.Ile749Phe)

Gene: HNRNPU (heterogeneous nuclear ribonucleoprotein U; minus strand). Cytogenetic location: 1q44.
Variant type: single nucleotide variant.
Coding change: c.2245A>T on transcript NM_031844.3 (MANE Select); coding-DNA position 2245, A replaced by T.
Protein change: p.Ile749Phe; replaces isoleucine 749 with phenylalanine.
Molecular consequence: missense variant.
Genome position (GRCh38, 1-based): chr1:244,855,531, T>A on the plus strand (A>T on the coding strand, the complement: HNRNPU is on the minus strand). VCF-style: chr1-244855531-T-A. GRCh37 (hg19) VCF-style: chr1-245018833-T-A.
Other names: c.2188A>T, p.Ile730Phe (NM_004501.3); short protein forms I730F, I749F.
Identifiers: ClinVar variation 4529849 (VCV004529849.1).